The following is an entry in ClinVar:

ClinVar aggregate classification (germline): Uncertain significance (1 of 4 stars; one submission).

gnomAD v4.1: 3 of 1,555,518 alleles (0.00019%); highest among the groups gnomAD compares: Admixed American, 0.0058%; no homozygotes.

Submission:

Labcorp Genetics (formerly Invitae), Labcorp
Classification: Uncertain significance. Last evaluated: 2025-05-26. Review status: criteria provided, single submitter. Criteria: Invitae Variant Classification Sherloc (09022015). Collection method: clinical testing. Allele origin: germline.
Comment: This sequence change affects a donor splice site in intron 5 of the WBP2 gene. It is expected to disrupt RNA splicing. Variants that disrupt the donor or acceptor splice site typically lead to a loss of protein function (PMID: 16199547), however the current clinical and genetic evidence is not sufficient to establish whether loss-of-function variants in WBP2 cause disease. This variant is present in population databases (rs763314564, gnomAD 0.004%). This variant has not been reported in the literature in individuals affected with WBP2-related conditions. Algorithms developed to predict the effect of sequence changes on RNA splicing suggest that this variant may disrupt the consensus splice site. In summary, the available evidence is currently insufficient to determine the role of this variant in disease. Therefore, it has been classified as a Variant of Uncertain Significance.

Literature cited by the submitters: PubMed 16199547.

NM_012478.4(WBP2):c.532+1G>C

Gene: WBP2 (WW domain binding protein 2; minus strand). Cytogenetic location: 17q25.1.
Variant type: single nucleotide variant.
Coding change: c.532+1G>C on transcript NM_012478.4 (MANE Select); the canonical splice donor site of the intron after coding-DNA position 532, G replaced by C.
Molecular consequence: splice donor variant. On other transcripts: intron variant (1).
Genome position (GRCh38, 1-based): chr17:75,847,795, C>G on the plus strand (G>C on the coding strand, the complement: WBP2 is on the minus strand). VCF-style: chr17-75847795-C-G. GRCh37 (hg19) VCF-style: chr17-73843876-C-G.
Other names: c.532+1G>C (NM_001348170.1); c.398-186G>C (NM_001330499.2).
Identifiers: ClinVar variation 4703037 (VCV004703037.1).